The following is an entry in ClinVar:

ClinVar aggregate classification (germline): Likely benign. Review status: criteria provided, multiple submitters, no conflicts (2 of 4 stars). 8 submissions from 8 submitters: Likely benign (7). 1 of the submissions does not count toward it. Last evaluated 2026-01-27.

Conditions:
Charcot-Marie-Tooth disease. Also called: Charcot-Marie-Tooth Hereditary Neuropathy; Charcot-Marie-Tooth Neuropathy. Identifiers: Orphanet 166, MedGen C0007959, MONDO:0015626.
LRSAM1-related disorder. Also called: LRSAM1-related condition.
Charcot-Marie-Tooth disease axonal type 2P. Also called: CHARCOT-MARIE-TOOTH DISEASE, AXONAL, TYPE 2G; CMT 2G; Charcot-Marie-Tooth Neuropathy Type 2G; CHARCOT-MARIE-TOOTH NEUROPATHY, TYPE 2P. Identifiers: Orphanet 300319, Orphanet 99941, MedGen C3280797, MONDO:0013753, OMIM 614436.
Inborn genetic diseases. Identifiers: MedGen C0950123, MeSH D030342.

Allele frequency attached by ClinVar (database versions not stated): TOPMed 0.00015; gnomAD exomes 0.00016 and 0.00024; ExAC 0.00023; ESP Exome Variant Server 0.00023; gnomAD 0.00024 and 0.00025.
gnomAD v4.1: 374 of 1,609,486 alleles (0.023%); highest among the groups gnomAD compares: Non-Finnish European, 0.029%; no homozygotes.

Submissions (8):

Labcorp Genetics (formerly Invitae), Labcorp
Classification: Likely benign for Charcot-Marie-Tooth disease axonal type 2P. Last evaluated: 2026-01-27. Review status: criteria provided, single submitter. Criteria: Invitae Variant Classification Sherloc (09022015). Collection method: clinical testing. Allele origin: germline.

Women's Health and Genetics/Laboratory Corporation of America, LabCorp
Classification: Likely benign. Last evaluated: 2025-10-08. Review status: criteria provided, single submitter. Criteria: LabCorp Variant Classification Summary - May 2015. Collection method: clinical testing. Allele origin: germline.

Blueprint Genetics
Classification: Likely benign. Last evaluated: 2024-08-01. Review status: criteria provided, single submitter. Criteria: ACMG Guidelines, 2015. Collection method: clinical testing. Allele origin: germline.

ARUP Laboratories, Molecular Genetics and Genomics, ARUP Laboratories
Classification: Likely benign for Charcot-Marie-Tooth disease axonal type 2P. Last evaluated: 2021-02-14. Review status: criteria provided, single submitter. Criteria: ARUP Molecular Germline Variant Investigation Process 2021. Collection method: clinical testing. Allele origin: germline.

GeneDx
Classification: Likely benign. Last evaluated: 2019-12-19. Review status: criteria provided, single submitter. Criteria: GeneDx Variant Classification Process June 2021. Collection method: clinical testing. Allele origin: germline. Affected: yes.
Comment: See Variant Classification Assertion Criteria.

Ambry Genetics
Classification: Likely benign for Inborn genetic diseases. Last evaluated: 2019-07-11. Review status: criteria provided, single submitter. Criteria: Ambry Variant Classification Scheme 2023. Collection method: clinical testing. Allele origin: germline.

Molecular Genetics Laboratory, London Health Sciences Centre
Classification: Likely benign for Charcot-Marie-Tooth disease. Review status: criteria provided, single submitter. Criteria: ACMG Guidelines, 2015. Collection method: clinical testing. Allele origin: germline. Affected: yes.

PreventionGenetics, part of Exact Sciences
Classification: Likely benign for LRSAM1-related condition. Last evaluated: 2023-07-27. Review status: no assertion criteria provided. Collection method: clinical testing. Allele origin: germline. Not counted in ClinVar's aggregate classification.
Comment: This variant is classified as likely benign based on ACMG/AMP sequence variant interpretation guidelines (Richards et al. 2015 PMID: 25741868, with internal and published modifications).

NM_001005373.4(LRSAM1):c.2139C>T (p.Ile713=)

Gene: LRSAM1 (leucine rich repeat and sterile alpha motif containing 1; plus strand). Cytogenetic location: 9q34.11.
Variant type: single nucleotide variant.
Coding change: c.2139C>T on transcript NM_001005373.4 (MANE Select); coding-DNA position 2139, C replaced by T.
Protein change: p.Ile713=; no amino-acid change (isoleucine 713 retained).
Molecular consequence: synonymous variant. On other transcripts: non-coding transcript variant (2).
Genome position (GRCh38, 1-based): chr9:127,502,866, C>T. VCF-style: chr9-127502866-C-T. GRCh37 (hg19) VCF-style: chr9-130265145-C-T.
Other names: c.2139C>T, p.Ile713= (NM_001005374.4, NM_001384142.1, NM_138361.5); c.2058C>T, p.Ile686= (NM_001190723.3); c.2040C>T, p.Ile680= (NM_001384143.1); c.1350C>T, p.Ile450= (NM_001384144.1); c.2139C>T (NM_138361.4).
Identifiers: ClinVar variation 540015 (VCV000540015.25), dbSNP rs373990000, ClinGen allele CA5247270.